The following is an entry in ClinVar:

ClinVar aggregate classification (germline): Benign/Likely benign. Review status: criteria provided, multiple submitters, no conflicts (2 of 4 stars). 2 submissions from 2 submitters: Benign (1); Likely benign (1). Last evaluated 2025-06-26.

Conditions:
Emery-Dreifuss muscular dystrophy 5, autosomal dominant (EDMD5). Also called: EMERY-DREIFUSS MUSCULAR DYSTROPHY 5. Identifiers: Orphanet 261, MedGen C2751805, MONDO:0013072, OMIM 612999.

Allele frequency attached by ClinVar (database versions not stated): gnomAD 0.00010; TOPMed 0.00010; 1000 Genomes Project 30x 0.00016.
gnomAD v4.1: 65 of 1,614,140 alleles (0.004%); highest among the groups gnomAD compares: East Asian, 0.065%; no homozygotes.

Submissions (2):

Labcorp Genetics (formerly Invitae), Labcorp
Classification: Likely benign for Emery-Dreifuss muscular dystrophy 5, autosomal dominant. Last evaluated: 2025-06-26. Review status: criteria provided, single submitter. Criteria: Invitae Variant Classification Sherloc (09022015). Collection method: clinical testing. Allele origin: germline.

Illumina Laboratory Services, Illumina
Classification: Benign for Emery-Dreifuss muscular dystrophy 5, autosomal dominant. Last evaluated: 2018-01-13. Review status: criteria provided, single submitter. Criteria: ICSL Variant Classification Criteria 13 December 2019. Collection method: clinical testing. Allele origin: germline.
Comment: This variant was observed in the ICSL laboratory as part of a predisposition screen in an ostensibly healthy population. It had not been previously curated by ICSL or reported in the Human Gene Mutation Database (HGMD: prior to June 1st, 2018), and was therefore a candidate for classification through an automated scoring system. Utilizing variant allele frequency, disease prevalence and penetrance estimates, and inheritance mode, an automated score was calculated to assess if this variant is too frequent to cause the disease. Based on the score and internal cut-off values, a variant classified as benign is not then subjected to further curation. The score for this variant resulted in a classification of benign for this disease.

NM_182914.3(SYNE2):c.16410C>G (p.Gly5470=)

Gene: SYNE2 (spectrin repeat containing nuclear envelope protein 2; plus strand). Cytogenetic location: 14q23.2.
Variant type: single nucleotide variant.
Coding change: c.16410C>G on transcript NM_182914.3 (MANE Select); coding-DNA position 16410, C replaced by G.
Protein change: p.Gly5470=; no amino-acid change (glycine 5470 retained).
Molecular consequence: synonymous variant.
Genome position (GRCh38, 1-based): chr14:64,163,512, C>G. VCF-style: chr14-64163512-C-G. GRCh37 (hg19) VCF-style: chr14-64630230-C-G.
Other names: c.16410C>G, p.Gly5470= (NM_015180.6).
Identifiers: ClinVar variation 470946 (VCV000470946.15), dbSNP rs200393620, ClinGen allele CA7223368.